The following is an entry in ClinVar:

NM_000059.4(BRCA2):c.7914del (p.Pro2639fs)

Gene: BRCA2 (BRCA2 DNA repair associated; plus strand). Cytogenetic location: 13q13.1.
Variant type: Deletion.
Coding change: c.7914del on transcript NM_000059.4 (MANE Select); coding-DNA position 7914, one base deleted (T; older notation c.7914delT).
Protein change: p.Pro2639fs; shifts the reading frame from proline 2639.
Molecular consequence: frameshift variant.
Genome position (GRCh38, 1-based): chr13:32,362,631, T deleted; the last of 3 consecutive T bases (chr13:32,362,629-32,362,631); deleting any one gives the same sequence. VCF-style (leftmost placement, unchanged base first): chr13-32362628-CT-C. GRCh37 (hg19) VCF-style: chr13-32936765-CT-C.
Other names: c.7914delT (NM_000059.3); short protein forms P2639fs.
Identifiers: ClinVar variation 252448 (VCV000252448.2), dbSNP rs879255332, ClinGen allele CA10585935.

ClinVar aggregate classification (germline): Pathogenic. Review status: reviewed by expert panel (3 of 4 stars). 2 submissions from 2 submitters: Pathogenic (1). 1 of the submissions does not count toward it. Last evaluated 2017-12-15.

Conditions:
Breast-ovarian cancer, familial, susceptibility to, 2 (BROVCA2). Also called: BRCA2 Hereditary Breast and Ovarian Cancer. Identifiers: Orphanet 145, MedGen C2675520, MONDO:0012933, OMIM 612555. Disease mechanism: loss of function.

Submissions (2):

Evidence-based Network for the Interpretation of Germline Mutant Alleles (ENIGMA)
Classification: Pathogenic for Breast-ovarian cancer, familial, susceptibility to, 2. Last evaluated: 2017-12-15. Review status: reviewed by expert panel. Criteria: ENIGMA BRCA1/2 Classification Criteria (2017-06-29). Collection method: curation. Allele origin: germline. Study: ENIGMA.
Comment: Variant allele predicted to encode a truncated non-functional protein.

GeneKor MSA
Classification: Pathogenic. Last evaluated: 2020-01-01. Review status: criteria provided, single submitter. Criteria: ACMG Guidelines, 2015. Collection method: clinical testing. Allele origin: germline. Not counted in ClinVar's aggregate classification.
Comment: This sequence change deletes one base from exon 17 of the BRCA2 mRNA (c.7914delT), causing a frameshift after codon 2639 and the creation of a premature translation stop signal 9 amino acid residues later, p.(Pro2639Leufs*9). This is expected to result in an absent or disrupted protein product. Truncating variants in BRCA2 are known to be pathogenic. The mutation database Clinvar contains entries for this variant (Variation ID:252448).